The following is an entry in ClinVar:

NM_012213.3(MLYCD):c.744G>T (p.Glu248Asp)

Gene: MLYCD (malonyl-CoA decarboxylase; plus strand). Cytogenetic location: 16q23.3.
Variant type: single nucleotide variant.
Coding change: c.744G>T on transcript NM_012213.3 (MANE Select); coding-DNA position 744, G replaced by T.
Protein change: p.Glu248Asp; replaces glutamic acid 248 with aspartic acid.
Molecular consequence: missense variant.
Genome position (GRCh38, 1-based): chr16:83,908,228, G>T. VCF-style: chr16-83908228-G-T. GRCh37 (hg19) VCF-style: chr16-83941833-G-T.
Other names: short protein forms E248D.
Identifiers: ClinVar variation 2166338 (VCV002166338.1), dbSNP rs202012613, ClinGen allele CA8197353.

ClinVar aggregate classification (germline): Uncertain significance (1 of 4 stars; one submission).

Conditions:
Deficiency of malonyl-CoA decarboxylase. Also called: Malonic aciduria; MCD deficiency. Identifiers: Orphanet 943, MedGen C0342793, MONDO:0009556, OMIM 248360.

Allele frequency attached by ClinVar (database versions not stated): ESP Exome Variant Server 0.00008.

Submission:

Labcorp Genetics (formerly Invitae), Labcorp
Classification: Uncertain significance for Deficiency of malonyl-CoA decarboxylase. Last evaluated: 2022-08-29. Review status: criteria provided, single submitter. Criteria: Invitae Variant Classification Sherloc (09022015). Collection method: clinical testing. Allele origin: germline.
Comment: This sequence change replaces glutamic acid, which is acidic and polar, with aspartic acid, which is acidic and polar, at codon 248 of the MLYCD protein (p.Glu248Asp). This variant is present in population databases (rs202012613, gnomAD 0.004%). This variant has not been reported in the literature in individuals affected with MLYCD-related conditions. Algorithms developed to predict the effect of missense changes on protein structure and function output the following: SIFT: "Tolerated"; PolyPhen-2: "Benign"; Align-GVGD: "Class C0". The aspartic acid amino acid residue is found in multiple mammalian species, which suggests that this missense change does not adversely affect protein function. In summary, the available evidence is currently insufficient to determine the role of this variant in disease. Therefore, it has been classified as a Variant of Uncertain Significance.